The following is an entry in ClinVar:

NM_000540.3(RYR1):c.11308C>G (p.His3770Asp)

Gene: RYR1 (ryanodine receptor 1; plus strand). Cytogenetic location: 19q13.2.
Variant type: single nucleotide variant.
Coding change: c.11308C>G on transcript NM_000540.3 (MANE Select); coding-DNA position 11308, C replaced by G.
Protein change: p.His3770Asp; replaces histidine 3770 with aspartic acid.
Molecular consequence: missense variant.
Genome position (GRCh38, 1-based): chr19:38,534,768, C>G. VCF-style: chr19-38534768-C-G. GRCh37 (hg19) VCF-style: chr19-39025408-C-G.
Other names: c.11293C>G, p.His3765Asp (NM_001042723.2); short protein forms H3770D, H3765D.
Identifiers: ClinVar variation 2585200 (VCV002585200.1), dbSNP rs941640236, ClinGen allele CA405654679.
Genomic context (GRCh38, chr19:38,534,768, plus strand): 5'-CTCCCTTCCCAGGAGAAACAGATGGAGAAGCAGAGGCTCTTGTACCAGCAAGCACGGCTG[C>G]ACACCCGGGGGGCGGCCGAGATGGTGCTGCAGATGATCAGTGCCTGCAAAGGTGCCCCTC-3'
Protein context (NP_000531.2, residues 3760-3780): QRLLYQQARL[His3770Asp]TRGAAEMVLQ

ClinVar aggregate classification (germline): Uncertain significance (1 of 4 stars; one submission).

Conditions:
Central core myopathy (CMYO1A). Also called: Central core disease; Myopathy, central fibrillar; CONGENITAL MYOPATHY 1A, AUTOSOMAL DOMINANT, WITH SUSCEPTIBILITY TO MALIGNANT HYPERTHERMIA. Identifiers: Orphanet 597, MedGen C5830701, MONDO:0007294, OMIM 117000.

gnomAD v4.1: 1 of 1,614,046 alleles (0.000062%); highest among the groups gnomAD compares: South Asian, 0.0011%; no homozygotes.

Submission:

Neuberg Centre For Genomic Medicine, NCGM
Classification: Uncertain significance for Central core myopathy. Review status: criteria provided, single submitter. Criteria: ACMG Guidelines, 2015. Collection method: clinical testing. Allele origin: germline. Inheritance: Autosomal dominant inheritance. Affected: yes.
Comment: The missense variant c.11308C>G (p.His3770Asp) in RYR1 gene has not been reported previously as a pathogenic variant nor as a benign variant, to our knowledge. The p.His3770Asp variant is reported with the allele frequency (0.0003%) in the gnomAD Exomes and is novel (not in any individuals) in 1000 Genomes. The amino acid His at position 3770 is changed to a Asp changing protein sequence and it might alter its composition and physico-chemical properties. The variant is predicted to be damaging by PolyPhen2 and the residue is conserved across species. The amino acid change p.His3770Asp in RYR1 is predicted as conserved by GERP++ and PhyloP across 100 vertebrates. For these reasons, this variant has been classified as Variant of Uncertain Significance (VUS).